The following is an entry in ClinVar:

ClinVar aggregate classification (germline): Uncertain significance. Review status: criteria provided, multiple submitters, no conflicts (2 of 4 stars). 2 submissions from 2 submitters: Uncertain significance (2). Last evaluated 2022-07-26.

Conditions:
Combined oxidative phosphorylation defect type 27. Also called: Combined oxidative phosphorylation deficiency 27. Identifiers: Orphanet 477774, MedGen C5567608, MONDO:0014728, OMIM 616672.

Allele frequency attached by ClinVar (database versions not stated): gnomAD 0.00001; TOPMed 0.00003.
gnomAD v4.1: 1 of 1,613,954 alleles (0.000062%); highest among the groups gnomAD compares: African/African-American, 0.0013%; no homozygotes.

Submissions (2):

Labcorp Genetics (formerly Invitae), Labcorp
Classification: Uncertain significance for Combined oxidative phosphorylation defect type 27. Last evaluated: 2022-07-26. Review status: criteria provided, single submitter. Criteria: Invitae Variant Classification Sherloc (09022015). Collection method: clinical testing. Allele origin: germline.
Comment: This variant has not been reported in the literature in individuals affected with CARS2-related conditions. In summary, the available evidence is currently insufficient to determine the role of this variant in disease. Therefore, it has been classified as a Variant of Uncertain Significance. Algorithms developed to predict the effect of missense changes on protein structure and function output the following: SIFT: "Deleterious"; PolyPhen-2: "Benign"; Align-GVGD: "Class C0". The histidine amino acid residue is found in multiple mammalian species, which suggests that this missense change does not adversely affect protein function. ClinVar contains an entry for this variant (Variation ID: 1030848). This variant is present in population databases (no rsID available, gnomAD 0.01%). This sequence change replaces glutamine, which is neutral and polar, with histidine, which is basic and polar, at codon 459 of the CARS2 protein (p.Gln459His).

Baylor Genetics
Classification: Uncertain significance for Combined oxidative phosphorylation defect type 27. Last evaluated: 2019-09-06. Review status: criteria provided, single submitter. Criteria: ACMG Guidelines, 2015. Collection method: clinical testing. Allele origin: unknown. Affected: yes.
Comment: This variant was determined to be of uncertain significance according to ACMG Guidelines, 2015 [PMID:25741868].

NM_024537.4(CARS2):c.1377G>C (p.Gln459His)

Gene: CARS2 (cysteinyl-tRNA synthetase 2, mitochondrial; minus strand). Cytogenetic location: 13q34.
Variant type: single nucleotide variant.
Coding change: c.1377G>C on transcript NM_024537.4 (MANE Select); coding-DNA position 1377, G replaced by C.
Protein change: p.Gln459His; replaces glutamine 459 with histidine.
Molecular consequence: missense variant. On other transcripts: non-coding transcript variant (2).
Genome position (GRCh38, 1-based): chr13:110,644,424, C>G on the plus strand (G>C on the coding strand, the complement: CARS2 is on the minus strand). VCF-style: chr13-110644424-C-G. GRCh37 (hg19) VCF-style: chr13-111296771-C-G.
Other names: c.591G>C, p.Gln197His (NM_001352252.2); short protein forms Q197H, Q459H.
Identifiers: ClinVar variation 1030848 (VCV001030848.4), dbSNP rs1047045222, ClinGen allele CA256323801.